The following is an entry in ClinVar:

ClinVar aggregate classification (germline): Uncertain significance (1 of 4 stars; one submission).

Submission:

Labcorp Genetics (formerly Invitae), Labcorp
Classification: Uncertain significance. Last evaluated: 2022-06-26. Review status: criteria provided, single submitter. Criteria: Invitae Variant Classification Sherloc (09022015). Collection method: clinical testing. Allele origin: germline.
Comment: This sequence change replaces leucine, which is neutral and non-polar, with phenylalanine, which is neutral and non-polar, at codon 116 of the COA7 protein (p.Leu116Phe). This variant is not present in population databases (gnomAD no frequency). This variant has not been reported in the literature in individuals affected with COA7-related conditions. Algorithms developed to predict the effect of missense changes on protein structure and function are either unavailable or do not agree on the potential impact of this missense change (SIFT: "Deleterious"; PolyPhen-2: "Possibly Damaging"; Align-GVGD: "Class C15"). In summary, the available evidence is currently insufficient to determine the role of this variant in disease. Therefore, it has been classified as a Variant of Uncertain Significance.

NM_023077.3(COA7):c.346C>T (p.Leu116Phe)

Genes: COA7 (cytochrome c oxidase assembly factor 7; minus strand), LOC129388524 (MPRA-validated peak230 silencer; plus strand). Cytogenetic location: 1p32.3.
Variant type: single nucleotide variant.
Coding change: c.346C>T on transcript NM_023077.3 (MANE Select); coding-DNA position 346, C replaced by T.
Protein change: p.Leu116Phe; replaces leucine 116 with phenylalanine.
Molecular consequence: missense variant.
Genome position (GRCh38, 1-based): chr1:52,688,070, G>A on the plus strand (C>T on the coding strand, the complement: COA7 is on the minus strand). VCF-style: chr1-52688070-G-A. GRCh37 (hg19) VCF-style: chr1-53153742-G-A.
Other names: short protein forms L116F.
Identifiers: ClinVar variation 2010945 (VCV002010945.4), dbSNP rs1312450832, ClinGen allele CA340363684.
Genomic context (GRCh38, chr1:52,688,070, plus strand): 5'-CCCTGGCCTTTCCCAAGTCAGGCTGGCCATCCTCATTAACCTGTCCATCATGTGCCAGGA[G>A]GCCAACGTTGTGACATGCTGCTATTGACTTCTTTCCAGGCTTCTCACACGCCATCAAAAA-3'
Protein context (NP_075565.2, residues 106-126): KSIAACHNVG[Leu116Phe]LAHDGQVNED